The following is an entry in ClinVar:

ClinVar aggregate classification (germline): Uncertain significance (1 of 4 stars; one submission).

Submission:

Labcorp Genetics (formerly Invitae), Labcorp
Classification: Uncertain significance. Last evaluated: 2023-07-22. Review status: criteria provided, single submitter. Criteria: Invitae Variant Classification Sherloc (09022015). Collection method: clinical testing. Allele origin: germline.
Comment: This sequence change replaces methionine, which is neutral and non-polar, with leucine, which is neutral and non-polar, at codon 1609 of the KMT2A protein (p.Met1609Leu). Information on the frequency of this variant in the gnomAD database is not available, as this variant may be reported differently in the database. This variant has not been reported in the literature in individuals affected with KMT2A-related conditions. Experimental studies and prediction algorithms are not available or were not evaluated, and the functional significance of this variant is currently unknown. In summary, the available evidence is currently insufficient to determine the role of this variant in disease. Therefore, it has been classified as a Variant of Uncertain Significance.

NM_001197104.2(KMT2A):c.4824_4825delinsAT (p.Met1609Leu)

Gene: KMT2A (lysine methyltransferase 2A; plus strand). Cytogenetic location: 11q23.3.
Variant type: Indel.
Coding change: c.4824_4825delinsAT on transcript NM_001197104.2 (MANE Select); coding-DNA positions 4824 to 4825, GA replaced by AT.
Protein change: p.Met1609Leu; replaces methionine 1609 with leucine.
Molecular consequence: missense variant.
Genome position (GRCh38, 1-based): chr11:118,491,748-118,491,749, GA replaced by AT. VCF-style: chr11-118491748-GA-AT. GRCh37 (hg19) VCF-style: chr11-118362463-GA-AT.
Other names: c.4914_4915delinsAT, p.Met1639Leu (NM_001412597.1); c.4815_4816delinsAT, p.Met1606Leu (NM_005933.4); short protein forms M1639L, M1606L, M1609L.
Identifiers: ClinVar variation 2745904 (VCV002745904.3), dbSNP rs2496921667, ClinGen allele CA2697558999.